The following is an entry in ClinVar:

NM_001083619.3(GRIA2):c.1471G>A (p.Gly491Arg)

Gene: GRIA2 (glutamate ionotropic receptor AMPA type subunit 2; plus strand). Cytogenetic location: 4q32.1.
Variant type: single nucleotide variant.
Coding change: c.1471G>A on transcript NM_001083619.3 (MANE Select); coding-DNA position 1471, G replaced by A.
Protein change: p.Gly491Arg; replaces glycine 491 with arginine.
Molecular consequence: missense variant.
Genome position (GRCh38, 1-based): chr4:157,335,875, G>A. VCF-style: chr4-157335875-G-A. GRCh37 (hg19) VCF-style: chr4-158257027-G-A.
Other names: c.1471G>A, p.Gly491Arg (NM_000826.6); c.1330G>A, p.Gly444Arg (NM_001083620.3, NM_001379000.3, NM_001379001.3); short protein forms G444R, G491R.
Identifiers: ClinVar variation 3900945 (VCV003900945.1).

ClinVar aggregate classification (germline): Uncertain significance (1 of 4 stars; one submission).

Submission:

GeneDx
Classification: Uncertain significance. Last evaluated: 2024-11-27. Review status: criteria provided, single submitter. Criteria: GeneDx Variant Classification Process June 2021. Collection method: clinical testing. Allele origin: germline. Affected: yes.
Comment: Not observed at significant frequency in large population cohorts (gnomAD); In silico analysis supports that this missense variant has a deleterious effect on protein structure/function; Has not been previously published as pathogenic or benign to our knowledge